The following is an entry in ClinVar:

ClinVar aggregate classification (germline): Uncertain significance (1 of 4 stars; one submission).

gnomAD v4.1: 1 of 1,614,052 alleles (0.000062%); highest among the groups gnomAD compares: Non-Finnish European, 0.000085%; no homozygotes.

Submission:

GeneDx
Classification: Uncertain significance. Last evaluated: 2026-02-03. Review status: criteria provided, single submitter. Criteria: GeneDx Variant Classification Process June 2021. Collection method: clinical testing. Allele origin: germline.
Comment: Not observed at significant frequency in large population cohorts (gnomAD); In silico analysis supports that this missense variant has a deleterious effect on protein structure/function; Has not been previously published as pathogenic or benign to our knowledge; This substitution is predicted to be in the cytoplasmic loop between the second and third homologous domains

NM_001040142.2(SCN2A):c.3301C>T (p.Leu1101Phe)

Gene: SCN2A (sodium voltage-gated channel alpha subunit 2; plus strand). Cytogenetic location: 2q24.3.
Variant type: single nucleotide variant.
Coding change: c.3301C>T on transcript NM_001040142.2 (MANE Select); coding-DNA position 3301, C replaced by T.
Protein change: p.Leu1101Phe; replaces leucine 1101 with phenylalanine.
Molecular consequence: missense variant.
Genome position (GRCh38, 1-based): chr2:165,354,573, C>T. VCF-style: chr2-165354573-C-T. GRCh37 (hg19) VCF-style: chr2-166211083-C-T.
Other names: c.3301C>T, p.Leu1101Phe (NM_001040143.2, NM_001371246.1, NM_001371247.1 and 1 more transcripts); short protein forms L1101F.
Identifiers: ClinVar variation 4976140 (VCV004976140.1).